The following is an entry in ClinVar:

NM_000179.3(MSH6):c.2964C>T (p.Arg988=)

Gene: MSH6 (mutS homolog 6; plus strand). Cytogenetic location: 2p16.3.
Variant type: single nucleotide variant.
Coding change: c.2964C>T on transcript NM_000179.3 (MANE Select); coding-DNA position 2964, C replaced by T.
Protein change: p.Arg988=; no amino-acid change (arginine 988 retained).
Molecular consequence: synonymous variant.
Genome position (GRCh38, 1-based): chr2:47,800,947, C>T. VCF-style: chr2-47800947-C-T. GRCh37 (hg19) VCF-style: chr2-48028086-C-T.
Other names: c.2574C>T, p.Arg858= (NM_001281492.2); c.2058C>T, p.Arg686= (NM_001281493.2, NM_001281494.2).
Identifiers: ClinVar variation 185070 (VCV000185070.19), dbSNP rs144288981, ClinGen allele CA011220.
Genomic context (GRCh38, chr2:47,800,947, plus strand): 5'-CTATTGGGGGATTGGTAGGAACCGTTACCAGCTGGAAATTCCTGAGAATTTCACCACTCG[C>T]AATTTGCCAGAAGAATACGAGTTGAAATCTACCAAGAAGGGCTGTAAACGATACTGGACC-3'
Protein context (NP_000170.1, residues 978-998): QLEIPENFTT[Arg988=]NLPEEYELKS

ClinVar aggregate classification (germline): Benign/Likely benign. Review status: criteria provided, multiple submitters, no conflicts (2 of 4 stars). 5 submissions from 5 submitters: Benign (1); Likely benign (4). Last evaluated 2025-06-01.

Conditions:
Hereditary nonpolyposis colorectal neoplasms. Identifiers: MedGen C0009405, MeSH D003123.
Hereditary cancer-predisposing syndrome. Also called: Hereditary neoplastic syndrome; Neoplastic Syndromes, Hereditary; Tumor predisposition; Hereditary Cancer Syndrome. Identifiers: Orphanet 140162, MedGen C0027672, MeSH D009386, MONDO:0015356.
Lynch syndrome 5 (LYNCH5). Also called: Hereditary non-polyposis colorectal cancer, type 5; Colorectal cancer, hereditary nonpolyposis, type 5. Identifiers: Orphanet 144, MedGen C1833477, MONDO:0013710, OMIM 614350. Disease mechanism: loss of function.

gnomAD v4.1: 3 of 1,571,930 alleles (0.00019%); highest among the groups gnomAD compares: African/African-American, 0.0014%; no homozygotes.

Submissions (5):

Labcorp Genetics (formerly Invitae), Labcorp
Classification: Likely benign for Hereditary nonpolyposis colorectal neoplasms. Last evaluated: 2025-06-01. Review status: criteria provided, single submitter. Criteria: Invitae Variant Classification Sherloc (09022015). Collection method: clinical testing. Allele origin: germline.

Myriad Genetics, Inc.
Classification: Benign for Lynch syndrome 5. Last evaluated: 2025-01-02. Review status: criteria provided, single submitter. Criteria: Myriad Autosomal Dominant, Autosomal Recessive and X-Linked Classification Criteria (2023). Collection method: clinical testing. Allele origin: unknown.
Comment: This variant is considered benign. This variant is a silent/synonymous amino acid change and it is not expected to impact splicing.

Quest Diagnostics Nichols Institute San Juan Capistrano
Classification: Likely benign. Last evaluated: 2020-12-26. Review status: criteria provided, single submitter. Criteria: Quest Diagnostics criteria. Collection method: clinical testing. Allele origin: unknown.

Color Diagnostics, LLC DBA Color Health
Classification: Likely benign for Hereditary cancer-predisposing syndrome. Last evaluated: 2019-07-08. Review status: criteria provided, single submitter. Criteria: ACMG Guidelines, 2015. Collection method: clinical testing. Allele origin: germline.

Ambry Genetics
Classification: Likely benign for Hereditary cancer-predisposing syndrome. Last evaluated: 2014-06-16. Review status: criteria provided, single submitter. Criteria: Ambry Variant Classification Scheme 2023. Collection method: clinical testing. Allele origin: germline.